The following is an entry in ClinVar:

ClinVar aggregate classification (germline): Conflicting classifications of pathogenicity. Review status: criteria provided, conflicting classifications (1 of 4 stars). 6 submissions from 6 submitters: Uncertain significance (3); Likely benign (2). 1 of the submissions does not count toward it. Last evaluated 2026-01-05.

Conditions:
CDH23-related disorder. Also called: CDH23-related condition; CDH23-related disorders.
Inborn genetic diseases. Identifiers: MedGen C0950123, MeSH D030342.
Usher syndrome type 1 (USH1). Also called: RETINITIS PIGMENTOSA AND CONGENITAL DEAFNESS. Identifiers: Orphanet 231169, Orphanet 886, MedGen C1568247, MONDO:0010168, OMIM 276900.

Allele frequency attached by ClinVar (database versions not stated): gnomAD exomes 0.00003 and 0.00004; ExAC 0.00010; ESP Exome Variant Server 0.00016; 1000 Genomes Project 0.00020; gnomAD 0.00024 and 0.00026; TOPMed 0.00029; 1000 Genomes Project 30x 0.00031.

Submissions (6):

PreventionGenetics, part of Exact Sciences
Classification: Uncertain significance for CDH23-related condition. Last evaluated: 2026-01-05. Review status: criteria provided, single submitter. Criteria: ACMG Guidelines, 2015. Collection method: clinical testing. Allele origin: germline.
Comment: The CDH23 c.772A>G variant is predicted to result in the amino acid substitution p.Ile258Val. To our knowledge, this variant has not been reported in the literature. This variant is present in 0.072% of alleles in individuals of African descent in gnomAD, which may be too common to be an unreported cause of disesase. Although we suspect that this variant may be benign, at this time, the clinical significance of this variant is uncertain due to the absence of conclusive functional and genetic evidence.

Labcorp Genetics (formerly Invitae), Labcorp
Classification: Likely benign. Last evaluated: 2025-09-23. Review status: criteria provided, single submitter. Criteria: Invitae Variant Classification Sherloc (09022015). Collection method: clinical testing. Allele origin: germline.

Ambry Genetics
Classification: Uncertain significance for Inborn genetic diseases. Last evaluated: 2025-02-12. Review status: criteria provided, single submitter. Criteria: Ambry Variant Classification Scheme 2023. Collection method: clinical testing. Allele origin: germline.

Blueprint Genetics
Classification: Uncertain significance. Last evaluated: 2023-07-05. Review status: criteria provided, single submitter. Criteria: ACMG Guidelines, 2015. Collection method: clinical testing. Allele origin: germline.

GeneDx
Classification: Likely benign. Last evaluated: 2021-04-17. Review status: criteria provided, single submitter. Criteria: GeneDx Variant Classification Process June 2021. Collection method: clinical testing. Allele origin: germline. Affected: yes.
Comment: In silico analysis, which includes protein predictors and evolutionary conservation, supports that this variant does not alter protein structure/function; Has not been previously published as pathogenic or benign to our knowledge

Natera, Inc.
Classification: Uncertain significance for Usher syndrome type 1. Last evaluated: 2020-01-24. Review status: no assertion criteria provided. Collection method: clinical testing. Allele origin: germline. Not counted in ClinVar's aggregate classification.

NM_022124.6(CDH23):c.772A>G (p.Ile258Val)

Gene: CDH23 (cadherin related 23; plus strand). Cytogenetic location: 10q22.1.
Variant type: single nucleotide variant.
Coding change: c.772A>G on transcript NM_022124.6 (MANE Select); coding-DNA position 772, A replaced by G.
Protein change: p.Ile258Val; replaces isoleucine 258 with valine.
Molecular consequence: missense variant.
Genome position (GRCh38, 1-based): chr10:71,577,932, A>G. VCF-style: chr10-71577932-A-G. GRCh37 (hg19) VCF-style: chr10-73337689-A-G.
Other names: c.772A>G, p.Ile258Val (NM_001171930.2, NM_001171931.2, NM_001171932.2 and 1 more transcripts); short protein forms I258V.
Identifiers: ClinVar variation 420355 (VCV000420355.16), dbSNP rs370782827, ClinGen allele CA5543550.